The following is an entry in ClinVar:

ClinVar aggregate classification (germline): Uncertain significance (1 of 4 stars; one submission).

Allele frequency attached by ClinVar (database versions not stated): ExAC 0.00005; ESP Exome Variant Server 0.00008; TOPMed 0.00019; gnomAD 0.00023; 1000 Genomes Project 30x 0.00031; 1000 Genomes Project 0.00040.
gnomAD v4.1: 77 of 1,611,092 alleles (0.0048%); highest among the groups gnomAD compares: African/African-American, 0.061%; no homozygotes.

Submission:

Labcorp Genetics (formerly Invitae), Labcorp
Classification: Uncertain significance. Last evaluated: 2022-08-09. Review status: criteria provided, single submitter. Criteria: Invitae Variant Classification Sherloc (09022015). Collection method: clinical testing. Allele origin: germline.
Comment: This sequence change replaces alanine, which is neutral and non-polar, with valine, which is neutral and non-polar, at codon 128 of the EMP2 protein (p.Ala128Val). This variant is present in population databases (rs373205953, gnomAD 0.07%). This variant has not been reported in the literature in individuals affected with EMP2-related conditions. Algorithms developed to predict the effect of missense changes on protein structure and function (SIFT, PolyPhen-2, Align-GVGD) all suggest that this variant is likely to be tolerated. In summary, the available evidence is currently insufficient to determine the role of this variant in disease. Therefore, it has been classified as a Variant of Uncertain Significance.

NM_001424.6(EMP2):c.383C>T (p.Ala128Val)

Gene: EMP2 (epithelial membrane protein 2; minus strand). Cytogenetic location: 16p13.13.
Variant type: single nucleotide variant.
Coding change: c.383C>T on transcript NM_001424.6 (MANE Select); coding-DNA position 383, C replaced by T.
Protein change: p.Ala128Val; replaces alanine 128 with valine.
Molecular consequence: missense variant.
Genome position (GRCh38, 1-based): chr16:10,533,026, G>A on the plus strand (C>T on the coding strand, the complement: EMP2 is on the minus strand). VCF-style: chr16-10533026-G-A. GRCh37 (hg19) VCF-style: chr16-10626883-G-A.
Other names: short protein forms A128V.
Identifiers: ClinVar variation 2417332 (VCV002417332.3), dbSNP rs373205953, ClinGen allele CA7897749.